The following is an entry in ClinVar:

NM_018129.4(PNPO):c.138+143C>T

Gene: PNPO (pyridoxamine 5'-phosphate oxidase; plus strand). Cytogenetic location: 17q21.32.
Variant type: single nucleotide variant.
Coding change: c.138+143C>T on transcript NM_018129.4 (MANE Select); 143 bases into the intron after coding-DNA position 138, C replaced by T.
Molecular consequence: intron variant.
Genome position (GRCh38, 1-based): chr17:47,941,956, C>T. VCF-style: chr17-47941956-C-T. GRCh37 (hg19) VCF-style: chr17-46019322-C-T.
Identifiers: ClinVar variation 667952 (VCV000667952.2), dbSNP rs147883701, ClinGen allele CA15904628.

ClinVar aggregate classification (germline): Likely benign. Review status: criteria provided, multiple submitters, no conflicts (2 of 4 stars). 2 submissions from 2 submitters: Likely benign (2). Last evaluated 2018-06-19.

Allele frequency attached by ClinVar (database versions not stated): 1000 Genomes Project 30x 0.01265; 1000 Genomes Project 0.01358; gnomAD 0.02539 and 0.02542; TOPMed 0.02608; gnomAD exomes 0.03355.
gnomAD v4.1: 43,942 of 1,345,920 alleles (3.3%); highest among the groups gnomAD compares: Middle Eastern, 9.7%; 885 homozygotes.

Submissions (2):

GeneDx
Classification: Likely benign. Last evaluated: 2018-06-19. Review status: criteria provided, single submitter. Criteria: GeneDx Variant Classification (06012015). Collection method: clinical testing. Allele origin: germline. Affected: yes.
Comment: This variant is considered likely benign or benign based on one or more of the following criteria: it is a conservative change, it occurs at a poorly conserved position in the protein, it is predicted to be benign by multiple in silico algorithms, and/or has population frequency not consistent with disease.

Breakthrough Genomics
Classification: Likely benign. Review status: criteria provided, single submitter. Criteria: ACMG Guidelines, 2015. Collection method: not provided. Allele origin: germline. Inheritance: Autosomal recessive inheritance. Affected: yes.